The following is an entry in ClinVar:

ClinVar aggregate classification (germline): Benign/Likely benign. Review status: criteria provided, multiple submitters, no conflicts (2 of 4 stars). 5 submissions from 5 submitters: Benign (1); Likely benign (3). 1 of the submissions does not count toward it. Last evaluated 2026-04-01.

Conditions:
VPS53-related disorder. Also called: VPS53-related condition.

Allele frequency attached by ClinVar (database versions not stated): gnomAD 0.00004 and 0.00026; TOPMed 0.00008; ESP Exome Variant Server 0.00022; gnomAD exomes 0.00048 and 0.00125; 1000 Genomes Project 0.00200; 1000 Genomes Project 30x 0.00219; ExAC 0.00337.
gnomAD v4.1: 724 of 1,551,588 alleles (0.047%); highest among the groups gnomAD compares: South Asian, 0.68%; 8 homozygotes.

Submissions (5):

CeGaT Center for Human Genetics Tuebingen
Classification: Likely benign. Last evaluated: 2026-04-01. Review status: criteria provided, single submitter. Criteria: CeGaT Center For Human Genetics Tuebingen Variant Classification Criteria Version 2. Collection method: clinical testing. Allele origin: germline. Affected: yes. Observed: 4 variant alleles.
Comment: VPS53: BP4, BS1

Labcorp Genetics (formerly Invitae), Labcorp
Classification: Benign. Last evaluated: 2026-01-26. Review status: criteria provided, single submitter. Criteria: Invitae Variant Classification Sherloc (09022015). Collection method: clinical testing. Allele origin: germline.

Blueprint Genetics
Classification: Likely benign. Last evaluated: 2024-11-26. Review status: criteria provided, single submitter. Criteria: ACMG Guidelines, 2015. Collection method: clinical testing. Allele origin: germline.

GeneDx
Classification: Likely benign. Last evaluated: 2020-01-13. Review status: criteria provided, single submitter. Criteria: GeneDx Variant Classification Process June 2021. Collection method: clinical testing. Allele origin: germline. Affected: yes.

PreventionGenetics, part of Exact Sciences
Classification: Benign for VPS53-related condition. Last evaluated: 2019-07-19. Review status: no assertion criteria provided. Collection method: clinical testing. Allele origin: germline. Not counted in ClinVar's aggregate classification.
Comment: This variant is classified as benign based on ACMG/AMP sequence variant interpretation guidelines (Richards et al. 2015 PMID: 25741868, with internal and published modifications).

NM_001128159.3(VPS53):c.2253G>A (p.Val751=)

Gene: VPS53 (VPS53 subunit of GARP complex; minus strand). Cytogenetic location: 17p13.3.
Variant type: single nucleotide variant.
Coding change: c.2253G>A on transcript NM_001128159.3 (MANE Select); coding-DNA position 2253, G replaced by A.
Protein change: p.Val751=; no amino-acid change (valine 751 retained).
Molecular consequence: synonymous variant.
Genome position (GRCh38, 1-based): chr17:519,901, C>T on the plus strand (G>A on the coding strand, the complement: VPS53 is on the minus strand). VCF-style: chr17-519901-C-T. GRCh37 (hg19) VCF-style: chr17-423141-C-T.
Identifiers: ClinVar variation 1223201 (VCV001223201.37), dbSNP rs377274469, ClinGen allele CA8261156.